The following is an entry in ClinVar:

NM_001165963.4(SCN1A):c.4581+18A>G

Genes: SCN1A (sodium voltage-gated channel alpha subunit 1; minus strand), LOC102724058 (uncharacterized LOC102724058; plus strand). Cytogenetic location: 2q24.3.
Variant type: single nucleotide variant.
Coding change: c.4581+18A>G on transcript NM_001165963.4 (MANE Select); 18 bases into the intron after coding-DNA position 4581, A replaced by G.
Molecular consequence: intron variant.
Genome position (GRCh38, 1-based): chr2:165,995,995, T>C on the plus strand (A>G on the coding strand, the complement: SCN1A is on the minus strand). VCF-style: chr2-165995995-T-C. GRCh37 (hg19) VCF-style: chr2-166852505-T-C.
Other names: c.4548+18A>G (NM_001353949.2, NM_001353950.2, NM_001353951.2 and 2 more transcripts); c.4497+18A>G (NM_001353958.2, NM_001353957.2, NM_001165964.3); c.4581+18A>G (NM_001202435.3, NM_001353948.2); c.4545+18A>G (NM_001353955.2, NM_001353954.2); c.4494+18A>G (NM_001353960.2); c.2139+18A>G (NM_001353961.2).
Identifiers: ClinVar variation 975975 (VCV000975975.1), dbSNP rs1689981394, ClinGen allele CA1139655698.
Genomic context (GRCh38, chr2:165,995,995, plus strand): 5'-GCTACTTTCTTTTTTGTGAGACAAGCATGCAAGTTTTTGTTTTTGTATTTTTCCCCCATA[T>C]CATTTGATACTTCTTACTCCTGGTCGAGGTATAGGCTTTTGCGGTTTTTTCGATCCTAAT-3'

ClinVar aggregate classification (germline): Likely pathogenic (1 of 4 stars; one submission).

Conditions:
Severe myoclonic epilepsy in infancy (DRVT). Also called: SEVERE MYOCLONIC EPILEPSY OF INFANCY; DEVELOPMENTAL AND EPILEPTIC ENCEPHALOPATHY 6A; Severe Myoclonic Epilepsy in Infancy (SMEI); Dravet syndrome; Epileptic encephalopathy, early infantile, 6 (Dravet syndrome). Identifiers: Orphanet 33069, MedGen C0751122, MONDO:0100135, OMIM 607208.

Submission:

Institute of Human Genetics, University of Leipzig Medical Center
Classification: Likely pathogenic for Severe myoclonic epilepsy in infancy. Last evaluated: 2019-07-16. Review status: criteria provided, single submitter. Criteria: ACMG Guidelines, 2015. Collection method: clinical testing. Allele origin: de novo. Affected: yes. Observed: 1 variant allele.
Comment: This variant was identified as de novo (maternity and paternity confirmed).